The following is an entry in ClinVar:

NM_000558.3(HBA1):c.310C>T (p.His104Tyr)

Genes: HBA1 (hemoglobin subunit alpha 1; plus strand), LOC106804613 (hemoglobin subunit alpha 1 recombination region; plus strand). Cytogenetic location: 16p13.3.
Variant type: single nucleotide variant.
Coding change: c.310C>T on transcript NM_000558.3; coding-DNA position 310, C replaced by T.
Protein change: p.His104Tyr; replaces histidine 104 with tyrosine.
Molecular consequence: missense variant (on NM_000558.5).
Genome position (GRCh38, 1-based): chr16:177,292, C>T. VCF-style: chr16-177292-C-T. GRCh37 (hg19) VCF-style: chr16-227291-C-T.
Other names: H103Y; c.310C>T, p.His104Tyr (NM_000558.5); c.310C>T (NM_000558.4); short protein forms H104Y.
Identifiers: ClinVar variation 15876 (VCV000015876.4), dbSNP rs28928884, ClinGen allele CA125999.

ClinVar aggregate classification (germline): Uncertain significance. Review status: criteria provided, multiple submitters, no conflicts (2 of 4 stars). 3 submissions from 3 submitters: Uncertain significance (2). 1 of the submissions does not count toward it. Last evaluated 2025-01-31.

Conditions:
HEMOGLOBIN CHAROLLES.

Submissions (3):

ARUP Laboratories, Molecular Genetics and Genomics, ARUP Laboratories
Classification: Uncertain significance. Last evaluated: 2025-01-31. Review status: criteria provided, single submitter. Criteria: ARUP Molecular Germline Variant Investigation Process 2024. Collection method: clinical testing. Allele origin: germline.
Comment: The Hb Charolles variant (HBA1: c.310C>T; p.His104Tyr, also known as His103Tyr when numbered from the mature protein, rs28928884, ClinVar Variation ID: 15876, HbVar ID: 896) has been reported in an individual with microcytosis and hypochromia, however this individual also carried a pathogenic HBA2 variant that may be responsible for the phenotype (HbVar link and references therein). This variant is absent from the Genome Aggregation Database (v2.1.1), indicating it is not a common polymorphism. Additionally, the same variant in the homologous gene HBA2 (Hb Lombard, HbVar ID:921, c.310C>T; p.His104Tyr) has been reported in an individual with mild anemia, but no other hematological abnormalities (see HbVar database and references therein). Computational analyses predict that the HBA1 c.310C>T; p.His104Tyr variant is deleterious (REVEL: 0.936). Due to limited information, the clinical significance of this variant is uncertain at this time. References: Link to HbVar database

Women's Health and Genetics/Laboratory Corporation of America, LabCorp
Classification: Uncertain significance. Last evaluated: 2023-09-21. Review status: criteria provided, single submitter. Criteria: LabCorp Variant Classification Summary - May 2015. Collection method: clinical testing. Allele origin: germline.
Comment: Variant summary: HBA1 c.310C>T (p.His104Tyr) results in a conservative amino acid change located in the Globin (IPR000971) of the encoded protein sequence. Four of five in-silico tools predict a damaging effect of the variant on protein function. The variant was absent in 248302 control chromosomes. The available data on variant occurrences in the general population are insufficient to allow any conclusion about variant significance. c.310C>T has been reported in the literature in individuals affected with hypochromia and microcytosis (Lacan_1999). This report does not provide unequivocal conclusions about association of the variant with Alpha Thalassemia. To our knowledge, no experimental evidence demonstrating an impact on protein function has been reported. The following publication have been ascertained in the context of this evaluation (PMID: 10569723). No submitters have cited clinical-significance assessments for this variant to ClinVar after 2014. Based on the evidence outlined above, the variant was classified as uncertain significance.

OMIM
Classification: other for HEMOGLOBIN CHAROLLES. Last evaluated: 2016-07-20. Review status: no assertion criteria provided. Collection method: literature only. Allele origin: germline. Not counted in ClinVar's aggregate classification.

Literature cited by the submitters: PubMed 10569723 (cited by Women's Health and Genetics/Laboratory Corporation of America, LabCorp and OMIM).